The following is an entry in ClinVar:

NM_020693.4(DSCAML1):c.1179G>C (p.Gln393His)

Gene: DSCAML1 (DS cell adhesion molecule like 1; minus strand). Cytogenetic location: 11q23.3.
Variant type: single nucleotide variant.
Coding change: c.1179G>C on transcript NM_020693.4 (MANE Select); coding-DNA position 1179, G replaced by C.
Protein change: p.Gln393His; replaces glutamine 393 with histidine.
Molecular consequence: missense variant.
Genome position (GRCh38, 1-based): chr11:117,521,164, C>G on the plus strand (G>C on the coding strand, the complement: DSCAML1 is on the minus strand). VCF-style: chr11-117521164-C-G. GRCh37 (hg19) VCF-style: chr11-117391879-C-G.
Other names: c.1179G>C, p.Gln393His (NM_001367904.1); c.771G>C, p.Gln257His (NM_001367905.1); c.1359G>C (NM_020693.2); short protein forms Q257H, Q393H.
Identifiers: ClinVar variation 2151118 (VCV002151118.6), dbSNP rs145095214, ClinGen allele CA6297349.

ClinVar aggregate classification (germline): Uncertain significance. Review status: criteria provided, multiple submitters, no conflicts (2 of 4 stars). 2 submissions from 2 submitters: Uncertain significance (2). Last evaluated 2025-11-25.

Allele frequency attached by ClinVar (database versions not stated): gnomAD exomes 0.00006; TOPMed 0.00006; gnomAD 0.00007; ESP Exome Variant Server 0.00008.
gnomAD v4.1: 100 of 1,614,014 alleles (0.0062%); highest among the groups gnomAD compares: Non-Finnish European, 0.0084%; no homozygotes.

Submissions (2):

Labcorp Genetics (formerly Invitae), Labcorp
Classification: Uncertain significance. Last evaluated: 2025-11-25. Review status: criteria provided, single submitter. Criteria: Invitae Variant Classification Sherloc (09022015). Collection method: clinical testing. Allele origin: germline.
Comment: This sequence change replaces glutamine, which is neutral and polar, with histidine, which is basic and polar, at codon 453 of the DSCAML1 protein (p.Gln453His). This variant is present in population databases (rs145095214, gnomAD 0.01%). This variant has not been reported in the literature in individuals affected with DSCAML1-related conditions. ClinVar contains an entry for this variant (Variation ID: 2151118). An algorithm developed to predict the effect of missense changes on protein structure and function (PolyPhen-2) suggests that this variant is likely to be tolerated. In summary, the available evidence is currently insufficient to determine the role of this variant in disease. Therefore, it has been classified as a Variant of Uncertain Significance.

Ambry Genetics
Classification: Uncertain significance. Last evaluated: 2025-05-01. Review status: criteria provided, single submitter. Criteria: Ambry Variant Classification Scheme 2023. Collection method: clinical testing. Allele origin: germline.